The following is an entry in ClinVar:

NM_001105206.3(LAMA4):c.2231C>A (p.Thr744Lys)

Gene: LAMA4 (laminin subunit alpha 4; minus strand). Cytogenetic location: 6q21.
Variant type: single nucleotide variant.
Coding change: c.2231C>A on transcript NM_001105206.3 (MANE Select); coding-DNA position 2231, C replaced by A.
Protein change: p.Thr744Lys; replaces threonine 744 with lysine.
Molecular consequence: missense variant.
Genome position (GRCh38, 1-based): chr6:112,148,279, G>T on the plus strand (C>A on the coding strand, the complement: LAMA4 is on the minus strand). VCF-style: chr6-112148279-G-T. GRCh37 (hg19) VCF-style: chr6-112469481-G-T.
Other names: c.2210C>A, p.Thr737Lys (NM_001105207.3, NM_002290.5); short protein forms T737K, T744K.
Identifiers: ClinVar variation 576733 (VCV000576733.8), dbSNP rs782380775, ClinGen allele CA3965530.

ClinVar aggregate classification (germline): Uncertain significance (1 of 4 stars; one submission).

Conditions:
Dilated cardiomyopathy 1JJ (CMD1JJ). Identifiers: Orphanet 154, MedGen C3808935, MONDO:0014095, OMIM 615235.

gnomAD v4.1: 11 of 1,614,032 alleles (0.00068%); highest among the groups gnomAD compares: South Asian, 0.011%; 1 homozygote.

Submission:

Labcorp Genetics (formerly Invitae), Labcorp
Classification: Uncertain significance for Dilated cardiomyopathy 1JJ. Last evaluated: 2024-07-22. Review status: criteria provided, single submitter. Criteria: Invitae Variant Classification Sherloc (09022015). Collection method: clinical testing. Allele origin: germline.
Comment: This sequence change replaces threonine, which is neutral and polar, with lysine, which is basic and polar, at codon 737 of the LAMA4 protein (p.Thr737Lys). This variant is present in population databases (rs782380775, gnomAD 0.01%). This variant has not been reported in the literature in individuals affected with LAMA4-related conditions. ClinVar contains an entry for this variant (Variation ID: 576733). An algorithm developed to predict the effect of missense changes on protein structure and function (PolyPhen-2) suggests that this variant is likely to be tolerated. In summary, the available evidence is currently insufficient to determine the role of this variant in disease. Therefore, it has been classified as a Variant of Uncertain Significance.